The following is an entry in ClinVar:

ClinVar aggregate classification (germline): Uncertain significance (1 of 4 stars; one submission).

Conditions:
Pulmonary fibrosis and/or bone marrow failure, Telomere-related, 4. Also called: PULMONARY FIBROSIS AND/OR BONE MARROW FAILURE SYNDROME, TELOMERE-RELATED, 4. Identifiers: Orphanet 2032, MedGen C4225347, MONDO:0014612, OMIM 616371.

Submission:

Victorian Clinical Genetics Services, Murdoch Childrens Research Institute
Classification: Uncertain significance for Pulmonary fibrosis and/or bone marrow failure, Telomere-related, 4. Last evaluated: 2025-07-28. Review status: criteria provided, single submitter. Criteria: ACMG Guidelines, 2015. Collection method: clinical testing. Allele origin: germline. Affected: yes.
Comment: This variant is classified as VUS-3A. Evidence in support of pathogenic classification: Variant is absent from gnomAD (v2, v3 and v4); Missense variant predicted to be damaging by in silico tool(s) or highly conserved with a major amino acid change; Strong phenotype match for this individual. Additional information: Variant is predicted to result in a missense amino acid change from isoleucine to asparagine; This variant is heterozygous; This gene is associated with both recessive and dominant disease; Alternative amino acid change(s) at the same position are present in gnomAD (Highest allele count: v4: 1 heterozygote(s), 0 homozygote(s)); This variant has no previous evidence of pathogenicity; No published segregation evidence has been identified for this variant; No published functional evidence has been identified for this variant; Another missense variant comparable to the one identified in this case has inconclusive previous evidence for pathogenicity. p.(Ile131Val) has been classified as a VUS by a diagnostic laboratory in ClinVar. It was identified as a single heterozygous PARN variant in two individuals with breast and renal cancer; and recurrent fevers and elevated ferritin, complements, fibrinogen, CRP and ESR, fever, chills, lymphadenopathy and pericardial effusion (personal communications); Variant is located in the annotated CAF1 domain (DECIPHER); Loss of function is a known mechanism of disease in this gene and is associated with dyskeratosis congenita, autosomal recessive 6 (MIM#616353) and pulmonary fibrosis and/or bone marrow failure, telomere-related, 4 (MIM#616371); The condition associated with this gene has incomplete penetrance (PMIDs: 25848748); Variants in this gene are known to have variable expressivity. Intra-familial variability has been reported (PMID: 20301779); Inheritance information for this variant is not currently available in this individual.

Literature cited by the submitters: PubMed 20301779; PubMed 25848748.

NM_002582.4(PARN):c.392T>A (p.Ile131Asn)

Gene: PARN (poly(A)-specific ribonuclease; minus strand). Cytogenetic location: 16p13.12.
Variant type: single nucleotide variant.
Coding change: c.392T>A on transcript NM_002582.4 (MANE Select); coding-DNA position 392, T replaced by A.
Protein change: p.Ile131Asn; replaces isoleucine 131 with asparagine.
Molecular consequence: missense variant.
Genome position (GRCh38, 1-based): chr16:14,610,806, A>T on the plus strand (T>A on the coding strand, the complement: PARN is on the minus strand). VCF-style: chr16-14610806-A-T. GRCh37 (hg19) VCF-style: chr16-14704663-A-T.
Other names: c.209T>A, p.Ile70Asn (NM_001134477.3); c.254T>A, p.Ile85Asn (NM_001242992.2); short protein forms I131N, I70N, I85N.
Identifiers: ClinVar variation 3376771 (VCV003376771.3).